The following is an entry in ClinVar:

NM_000169.3(GLA):c.829T>G (p.Trp277Gly)

Genes: RPL36A-HNRNPH2 (RPL36A-HNRNPH2 readthrough; plus strand), GLA (galactosidase alpha; minus strand). Cytogenetic location: Xq22.1.
Variant type: single nucleotide variant.
Coding change: c.829T>G on transcript NM_000169.3 (MANE Select); coding-DNA position 829, T replaced by G.
Protein change: p.Trp277Gly; replaces tryptophan 277 with glycine.
Molecular consequence: missense variant. On other transcripts: non-coding transcript variant (3), intron variant (2).
Genome position (GRCh38, 1-based): chrX:101,398,540, A>C on the plus strand (T>G on the coding strand, the complement: GLA is on the minus strand). VCF-style: chrX-101398540-A-C. GRCh37 (hg19) VCF-style: chrX-100653528-A-C.
Other names: c.952T>G, p.Trp318Gly (NM_001406747.1); c.829T>G, p.Trp277Gly (NM_001406748.1); c.300+3083A>C (NM_001199973.2); c.177+6718A>C (NM_001199974.2); short protein forms W277G, W318G.
Identifiers: ClinVar variation 177871 (VCV000177871.20), dbSNP rs727504372, ClinGen allele CA022112.

ClinVar aggregate classification (germline): Uncertain significance. Review status: criteria provided, multiple submitters, no conflicts (2 of 4 stars). 7 submissions from 7 submitters: Uncertain significance (7). Last evaluated 2026-09-08.

Conditions:
Cardiovascular phenotype. Identifiers: MedGen CN230736.
Fabry disease. Also called: ALPHA-GALACTOSIDASE A DEFICIENCY; ANDERSON-FABRY DISEASE; CERAMIDE TRIHEXOSIDASE DEFICIENCY; GLA DEFICIENCY; HEREDITARY DYSTOPIC LIPIDOSIS; Ceramide trihexosidosis. Identifiers: Orphanet 324, MedGen C0002986, MONDO:0010526, OMIM 301500, HP:0001071. Disease mechanism: Fabry disease is due to inactivating mutations in the X-linked GLA gene resulting in deficiency of the enzyme Alpha Galactosidase-A., loss of function.

Submissions (7):

Genomenon, Inc
Classification: Uncertain significance for Fabry disease. Last evaluated: 2026-09-08. Review status: criteria provided, single submitter. Criteria: Genomenon Sequence Variant Interpretation Standards - Updated. Collection method: curation. Allele origin: germline. Affected: no.
Comment: GLA p.Trp277Gly (c.829T>G) is a missense variant that changes the amino acid at codon 277 from Tryptophan to Glycine. This variant has been reported in the published literature (PMID:27657681). It is absent or not present at a significant frequency in gnomAD. In silico models predict that this variant is possibly or probably damaging. In conclusion, we classify GLA p.Trp277Gly (c.829T>G) as a variant of uncertain significance.

Labcorp Genetics (formerly Invitae), Labcorp
Classification: Uncertain significance for Fabry disease. Last evaluated: 2025-10-13. Review status: criteria provided, single submitter. Criteria: Invitae Variant Classification Sherloc (09022015). Collection method: clinical testing. Allele origin: germline.
Comment: This sequence change replaces tryptophan, which is neutral and slightly polar, with glycine, which is neutral and non-polar, at codon 277 of the GLA protein (p.Trp277Gly). This variant is not present in population databases (gnomAD no frequency). This missense change has been observed in individual(s) with hypertrophic cardiomyopathy (PMID: 27532257). ClinVar contains an entry for this variant (Variation ID: 177871). Invitae Evidence Modeling of protein sequence and biophysical properties (such as structural, functional, and spatial information, amino acid conservation, physicochemical variation, residue mobility, and thermodynamic stability) indicates that this missense variant is not expected to disrupt GLA protein function with a negative predictive value of 80%. Experimental studies have shown that this missense change affects GLA function (PMID: 27657681). In summary, the available evidence is currently insufficient to determine the role of this variant in disease. Therefore, it has been classified as a Variant of Uncertain Significance.

Color Diagnostics, LLC DBA Color Health
Classification: Uncertain significance for Fabry disease. Last evaluated: 2025-07-25. Review status: criteria provided, single submitter. Criteria: ACMG Guidelines, 2015. Collection method: clinical testing. Allele origin: germline.
Comment: This missense variant replaces tryptophan with glycine at codon 277 of the GLA protein. Computational prediction is inconclusive regarding the impact of this variant on protein structure and function Functional studies in transfected HEK-293 cells have shown that this variant causes a significant reduction in enzyme activity (PMID: 27657681). This variant has been reported in an individual affected with hypertrophic cardiomyopathy (PMID: 25611685, 27532257). This variant has not been identified in the general population by the Genome Aggregation Database (gnomAD). The available evidence is insufficient to determine the role of this variant in disease conclusively. Therefore, this variant is classified as a Variant of Uncertain Significance.

Ambry Genetics
Classification: Uncertain significance for Cardiovascular phenotype. Last evaluated: 2025-05-29. Review status: criteria provided, single submitter. Criteria: Ambry Variant Classification Scheme 2023. Collection method: clinical testing. Allele origin: germline.
Comment: The p.W277G variant (also known as c.829T>G), located in coding exon 6 of the GLA gene, results from a T to G substitution at nucleotide position 829. The tryptophan at codon 277 is replaced by glycine, an amino acid with highly dissimilar properties. This variant has been detected in a cohort referred for hypertrophic cardiomyopathy genetic testing; however, details were limited (Walsh R et al. Genet. Med., 2017 02;19:192-203). This amino acid position is not well conserved in available vertebrate species. In addition, the in silico prediction for this alteration is inconclusive. Since supporting evidence is limited at this time, the clinical significance of this alteration remains unclear.

All of Us Research Program, National Institutes of Health
Classification: Uncertain significance for Fabry disease. Last evaluated: 2024-05-17. Review status: criteria provided, single submitter. Criteria: ACMG Guidelines, 2015. Collection method: clinical testing. Allele origin: germline. Inheritance: X-linked inheritance. Observed: 3 variant alleles, 3 heterozygotes.
Comment: This study involves interpretation of variants in research participants for the purpose of population health screening. Participant phenotype was not available at the time of variant classification. Additional details can be found in publication PMID: 35346344, PMCID: PMC8962531

Fulgent Genetics
Classification: Uncertain significance for Fabry disease. Last evaluated: 2021-10-29. Review status: criteria provided, single submitter. Criteria: ACMG Guidelines, 2015. Collection method: clinical testing. Allele origin: unknown.

Laboratory for Molecular Medicine, Mass General Brigham Personalized Medicine
Classification: Uncertain significance. Last evaluated: 2018-02-15. Review status: criteria provided, single submitter. Criteria: LMM Criteria. Collection method: clinical testing. Allele origin: germline. Observed: 1 variant allele.
Comment: proposed classification - variant undergoing re-assessment, contact laboratory

Literature cited by the submitters: PubMed 27657681 (cited by 4 submitters); PubMed 27532257 (cited by 3 submitters); PubMed 25611685 (cited by Color Diagnostics, LLC DBA Color Health).